The following is an entry in ClinVar:

ClinVar aggregate classification (germline): Uncertain significance (1 of 4 stars; one submission).

Submission:

Labcorp Genetics (formerly Invitae), Labcorp
Classification: Uncertain significance. Last evaluated: 2021-12-24. Review status: criteria provided, single submitter. Criteria: Invitae Variant Classification Sherloc (09022015). Collection method: clinical testing. Allele origin: germline.
Comment: This sequence change replaces isoleucine, which is neutral and non-polar, with threonine, which is neutral and polar, at codon 667 of the XPR1 protein (p.Ile667Thr). This variant is not present in population databases (gnomAD no frequency). This variant has not been reported in the literature in individuals affected with XPR1-related conditions. Algorithms developed to predict the effect of missense changes on protein structure and function are either unavailable or do not agree on the potential impact of this missense change (SIFT: "Deleterious"; PolyPhen-2: "Benign"; Align-GVGD: "Class C0"). In summary, the available evidence is currently insufficient to determine the role of this variant in disease. Therefore, it has been classified as a Variant of Uncertain Significance.

NM_004736.4(XPR1):c.2000T>C (p.Ile667Thr)

Gene: XPR1 (xenotropic and polytropic retrovirus receptor 1; plus strand). Cytogenetic location: 1q25.3.
Variant type: single nucleotide variant.
Coding change: c.2000T>C on transcript NM_004736.4 (MANE Select); coding-DNA position 2000, T replaced by C.
Protein change: p.Ile667Thr; replaces isoleucine 667 with threonine.
Molecular consequence: missense variant. On other transcripts: non-coding transcript variant (1).
Genome position (GRCh38, 1-based): chr1:180,880,267, T>C. VCF-style: chr1-180880267-T-C. GRCh37 (hg19) VCF-style: chr1-180849403-T-C.
Other names: c.1805T>C, p.Ile602Thr (NM_001135669.2); short protein forms I602T, I667T.
Identifiers: ClinVar variation 2057077 (VCV002057077.4), dbSNP rs2526063042, ClinGen allele CA343598350.